The following is an entry in ClinVar:

NM_000069.3(CACNA1S):c.3195T>G (p.Ile1065Met)

Gene: CACNA1S (calcium voltage-gated channel subunit alpha1 S; minus strand). Cytogenetic location: 1q32.1.
Variant type: single nucleotide variant.
Coding change: c.3195T>G on transcript NM_000069.3 (MANE Select); coding-DNA position 3195, T replaced by G.
Protein change: p.Ile1065Met; replaces isoleucine 1065 with methionine.
Molecular consequence: missense variant.
Genome position (GRCh38, 1-based): chr1:201,061,327, A>C on the plus strand (T>G on the coding strand, the complement: CACNA1S is on the minus strand). VCF-style: chr1-201061327-A-C. GRCh37 (hg19) VCF-style: chr1-201030455-A-C.
Other names: short protein forms I1065M.
Identifiers: ClinVar variation 1515971 (VCV001515971.6), dbSNP rs767698922, ClinGen allele CA079591.

ClinVar aggregate classification (germline): Uncertain significance (1 of 4 stars; one submission).

Conditions:
Hypokalemic periodic paralysis, type 1. Also called: HypoPP; Hypokalemic Periodic Paralysis Type 1 (AD). Identifiers: Orphanet 681, MedGen C3714580, MONDO:0042979, OMIM 170400.
Malignant hyperthermia, susceptibility to, 5 (MHS5). Also called: CACNA1S-Related Malignant Hyperthermia Susceptibility. Identifiers: Orphanet 423, MedGen C1866077, MONDO:0011163, OMIM 601887.

Allele frequency attached by ClinVar (database versions not stated): gnomAD exomes below 0.00001 and 0.00001; TOPMed below 0.00001; ExAC 0.00001.
gnomAD v4.1: 1 of 1,614,242 alleles (0.000062%); highest among the groups gnomAD compares: East Asian, 0.0022%; no homozygotes.

Submission:

Labcorp Genetics (formerly Invitae), Labcorp
Classification: Uncertain significance for Hypokalemic periodic paralysis, type 1; Malignant hyperthermia, susceptibility to, 5. Last evaluated: 2022-06-03. Review status: criteria provided, single submitter. Criteria: Invitae Variant Classification Sherloc (09022015). Collection method: clinical testing. Allele origin: germline.
Comment: In summary, the available evidence is currently insufficient to determine the role of this variant in disease. Therefore, it has been classified as a Variant of Uncertain Significance. Algorithms developed to predict the effect of missense changes on protein structure and function are either unavailable or do not agree on the potential impact of this missense change (SIFT: "Deleterious"; PolyPhen-2: "Probably Damaging"; Align-GVGD: "Class C0"). ClinVar contains an entry for this variant (Variation ID: 1515971). This variant has not been reported in the literature in individuals affected with CACNA1S-related conditions. This variant is present in population databases (rs767698922, gnomAD 0.01%). This sequence change replaces isoleucine, which is neutral and non-polar, with methionine, which is neutral and non-polar, at codon 1065 of the CACNA1S protein (p.Ile1065Met).